The following is an entry in ClinVar:

ClinVar aggregate classification (germline): Conflicting classifications of pathogenicity. Review status: criteria provided, conflicting classifications (1 of 4 stars). 4 submissions from 4 submitters: Uncertain significance (3); Likely benign (1). Last evaluated 2024-09-06.

Conditions:
Inborn genetic diseases. Identifiers: MedGen C0950123, MeSH D030342.

Allele frequency attached by ClinVar (database versions not stated): gnomAD exomes 0.00004 and 0.00005; gnomAD 0.00006 and 0.00007; TOPMed 0.00006; ExAC 0.00008; 1000 Genomes Project 30x 0.00016; 1000 Genomes Project 0.00020.
gnomAD v4.1: 70 of 1,613,484 alleles (0.0043%); highest among the groups gnomAD compares: South Asian, 0.051%; no homozygotes.

Submissions (4):

Blueprint Genetics
Classification: Uncertain significance. Last evaluated: 2024-09-06. Review status: criteria provided, single submitter. Criteria: ACMG Guidelines, 2015. Collection method: clinical testing. Allele origin: germline.

Labcorp Genetics (formerly Invitae), Labcorp
Classification: Uncertain significance. Last evaluated: 2024-08-11. Review status: criteria provided, single submitter. Criteria: Invitae Variant Classification Sherloc (09022015). Collection method: clinical testing. Allele origin: germline.
Comment: This sequence change replaces arginine, which is basic and polar, with tryptophan, which is neutral and slightly polar, at codon 48 of the PDE6B protein (p.Arg48Trp). This variant is present in population databases (rs191195745, gnomAD 0.03%). This variant has not been reported in the literature in individuals affected with PDE6B-related conditions. ClinVar contains an entry for this variant (Variation ID: 962060). Advanced modeling of protein sequence and biophysical properties (such as structural, functional, and spatial information, amino acid conservation, physicochemical variation, residue mobility, and thermodynamic stability) has been performed at Invitae for this missense variant, however the output from this modeling did not meet the statistical confidence thresholds required to predict the impact of this variant on PDE6B protein function. In summary, the available evidence is currently insufficient to determine the role of this variant in disease. Therefore, it has been classified as a Variant of Uncertain Significance.

Ambry Genetics
Classification: Uncertain significance for Inborn genetic diseases. Last evaluated: 2024-04-29. Review status: criteria provided, single submitter. Criteria: Ambry Variant Classification Scheme 2023. Collection method: clinical testing. Allele origin: germline.

CeGaT Center for Human Genetics Tuebingen
Classification: Likely benign. Last evaluated: 2022-09-01. Review status: criteria provided, single submitter. Criteria: CeGaT Center For Human Genetics Tuebingen Variant Classification Criteria Version 2. Collection method: clinical testing. Allele origin: germline. Affected: yes. Observed: 1 variant allele.
Comment: PDE6B: BP4

NM_000283.4(PDE6B):c.142C>T (p.Arg48Trp)

Gene: PDE6B (phosphodiesterase 6B; plus strand). Cytogenetic location: 4p16.3.
Variant type: single nucleotide variant.
Coding change: c.142C>T on transcript NM_000283.4 (MANE Select); coding-DNA position 142, C replaced by T.
Protein change: p.Arg48Trp; replaces arginine 48 with tryptophan.
Molecular consequence: missense variant.
Genome position (GRCh38, 1-based): chr4:625,768, C>T. VCF-style: chr4-625768-C-T. GRCh37 (hg19) VCF-style: chr4-619557-C-T.
Other names: c.142C>T, p.Arg48Trp (NM_001145291.2); short protein forms R48W.
Identifiers: ClinVar variation 962060 (VCV000962060.36), dbSNP rs191195745, ClinGen allele CA2793856.